The following is an entry in ClinVar:

NM_201384.3(PLEC):c.9370C>T (p.Leu3124Phe)

Gene: PLEC (plectin; minus strand). Cytogenetic location: 8q24.3.
Variant type: single nucleotide variant.
Coding change: c.9370C>T on transcript NM_201384.3 (MANE Select); coding-DNA position 9370, C replaced by T.
Protein change: p.Leu3124Phe; replaces leucine 3124 with phenylalanine.
Molecular consequence: missense variant.
Genome position (GRCh38, 1-based): chr8:143,920,451, G>A on the plus strand (C>T on the coding strand, the complement: PLEC is on the minus strand). VCF-style: chr8-143920451-G-A. GRCh37 (hg19) VCF-style: chr8-144994619-G-A.
Other names: c.9451C>T, p.Leu3151Phe (NM_000445.5); c.6070C>T, p.Leu2024Phe (NM_001410941.1); c.9328C>T, p.Leu3110Phe (NM_201378.4); c.9304C>T, p.Leu3102Phe (NM_201379.3); c.9781C>T, p.Leu3261Phe (NM_201380.4); c.9274C>T, p.Leu3092Phe (NM_201381.3); c.9370C>T, p.Leu3124Phe (NM_201382.4); c.9382C>T, p.Leu3128Phe (NM_201383.3); short protein forms L2024F, L3110F, L3102F, L3124F, L3151F, L3261F, L3092F, L3128F.
Identifiers: ClinVar variation 2924855 (VCV002924855.3), dbSNP rs1554681830, ClinGen allele CA372510092.

ClinVar aggregate classification (germline): Uncertain significance (1 of 4 stars; one submission).

Conditions:
Epidermolysis bullosa simplex with nail dystrophy (EBS5D). Identifiers: MedGen C4225309, MONDO:0014661, OMIM 616487.
Epidermolysis bullosa simplex, Ogna type (EBS5A). Also called: EPIDERMOLYSIS BULLOSA SIMPLEX 5A, OGNA TYPE; Pidermolysis bullosa simplex 5A, Ogna type. Identifiers: Orphanet 79401, MedGen C0432317, MONDO:0007555, OMIM 131950.
Epidermolysis bullosa simplex 5C, with pyloric atresia (EBS5C). Also called: PLEC1-Related Epidermolysis Bullosa with Pyloric Atresia; PLEC-Related Epidermolysis Bullosa with Pyloric Atresia; Epidermolysis bullosa simplex with pyloric atresia. Identifiers: Orphanet 158684, MedGen C2677349, MONDO:0012807, OMIM 612138.
Autosomal recessive limb-girdle muscular dystrophy type 2Q (LGMDR17). Also called: MUSCULAR DYSTROPHY, LIMB-GIRDLE, AUTOSOMAL RECESSIVE 17. Identifiers: Orphanet 254361, MedGen C3150989, MONDO:0013390, OMIM 613723.
Epidermolysis bullosa simplex 5B, with muscular dystrophy (EBS5B). Also called: EPIDERMOLYSIS BULLOSA SIMPLEX AND LIMB-GIRDLE MUSCULAR DYSTROPHY; Epidermolysis bullosa simplex with muscular dystrophy. Identifiers: Orphanet 257, MedGen C2931072, MONDO:0009181, OMIM 226670.

Allele frequency attached by ClinVar (database versions not stated): gnomAD exomes below 0.00001.
gnomAD v4.1: 2 of 1,600,972 alleles (0.00012%); highest among the groups gnomAD compares: South Asian, 0.0011%; no homozygotes.

Submission:

Labcorp Genetics (formerly Invitae), Labcorp
Classification: Uncertain significance for Autosomal recessive limb-girdle muscular dystrophy type 2Q; Epidermolysis bullosa simplex, Ogna type; Epidermolysis bullosa simplex with nail dystrophy; Epidermolysis bullosa simplex 5C, with pyloric atresia; Epidermolysis bullosa simplex 5B, with muscular dystrophy. Last evaluated: 2023-03-22. Review status: criteria provided, single submitter. Criteria: Invitae Variant Classification Sherloc (09022015). Collection method: clinical testing. Allele origin: germline.
Comment: This sequence change replaces leucine, which is neutral and non-polar, with phenylalanine, which is neutral and non-polar, at codon 3151 of the PLEC protein (p.Leu3151Phe). This variant is present in population databases (no rsID available, gnomAD 0.003%). This variant has not been reported in the literature in individuals affected with PLEC-related conditions. An algorithm developed to predict the effect of missense changes on protein structure and function (PolyPhen-2) suggests that this variant is likely to be disruptive. In summary, the available evidence is currently insufficient to determine the role of this variant in disease. Therefore, it has been classified as a Variant of Uncertain Significance.